The following is an entry in ClinVar:

NM_000048.4(ASL):c.493C>T (p.Gln165Ter)

Gene: ASL (argininosuccinate lyase; plus strand). Cytogenetic location: 7q11.21.
Variant type: single nucleotide variant.
Coding change: c.493C>T on transcript NM_000048.4 (MANE Select); coding-DNA position 493, C replaced by T.
Protein change: p.Gln165Ter; replaces glutamine 165 with a stop codon.
Molecular consequence: nonsense.
Genome position (GRCh38, 1-based): chr7:66,086,631, C>T. VCF-style: chr7-66086631-C-T. GRCh37 (hg19) VCF-style: chr7-65551618-C-T.
Other names: c.493C>T, p.Gln165Ter (NM_001024943.2, NM_001024944.2, NM_001024946.2); short protein forms Q165*.
Identifiers: ClinVar variation 1723989 (VCV001723989.2), dbSNP rs2485008020, ClinGen allele CA367642005.

ClinVar aggregate classification (germline): Likely pathogenic (1 of 4 stars; one submission).

Conditions:
Argininosuccinate lyase deficiency. Also called: ARGININOSUCCINIC ACID LYASE DEFICIENCY; ASL DEFICIENCY; Argininosuccinic aciduria. Identifiers: Orphanet 23, MedGen C0268547, MONDO:0008815, OMIM 207900, HP:0025630.

Submission:

Myriad Genetics, Inc.
Classification: Likely pathogenic for Argininosuccinate lyase deficiency. Last evaluated: 2022-01-22. Review status: criteria provided, single submitter. Criteria: Myriad Women's Health Autosomal Recessive and X-Linked Classification Criteria (2021). Collection method: clinical testing. Allele origin: unknown.
Comment: NM_001024943.1(ASL):c.493C>T(Q165*) is expected to be pathogenic in the context of argininosuccinic aciduria. This variant is predicted to lead to an abnormal or absent protein product due to the creation of a premature termination codon in ASL, a gene where loss-of-function variants are known to be pathogenic. Please note: this variant was assessed in the context of healthy population screening.